The following is an entry in ClinVar:

ClinVar aggregate classification (germline): Uncertain significance. Review status: reviewed by expert panel (3 of 4 stars). 2 submissions from 2 submitters: Uncertain significance (1). 1 of the submissions does not count toward it. Last evaluated 2025-05-02.

Conditions:
Hereditary thrombocytopenia and hematologic cancer predisposition syndrome. Identifiers: Orphanet 71290, MedGen CN281654, MONDO:0011071.
Hereditary thrombocytopenia and hematological cancer predisposition syndrome associated with RUNX1. Also called: Familial Platelet Disorder with Propensity to Acute Myelogenous Leukemia; Familial thrombocytopenia with propensity to acute myelogenous leukemia; PLATELET DISORDER, ASPIRIN-LIKE; RUNX1 Familial Platelet Disorder with Associated Myeloid Malignancies. Identifiers: Orphanet 71290, MedGen C1832388, MeSH C563324, MONDO:0100083, OMIM 601399.

Submissions (2):

ClinGen Myeloid Malignancy Variant Curation Expert Panel
Classification: Uncertain significance for Hereditary thrombocytopenia and hematologic cancer predisposition syndrome. Last evaluated: 2025-05-02. Review status: reviewed by expert panel. Criteria: ClinGen MyeloMalig ACMG Specifications v2. Collection method: curation. Allele origin: germline. Inheritance: Autosomal dominant inheritance.
Comment: NM_001754.5(RUNX1):c.806-1G>T is a splice site variant which is not predicted to undergo nonsense-mediated decay and will result in exon 8 skipping (PVS1_Strong). This variant is completely absent from all population databases with at least 20x coverage for RUNX1 (PM2_supporting). In summary, the clinical significance of this variant is uncertain. ACMG/AMP criteria applied, as specified by the Myeloid Malignancy Variant Curation Expert Panel for RUNX1: PVS1_Strong, PM2_supporting.

Labcorp Genetics (formerly Invitae), Labcorp
Classification: Likely pathogenic for Hereditary thrombocytopenia and hematological cancer predisposition syndrome associated with RUNX1. Last evaluated: 2024-04-15. Review status: criteria provided, single submitter. Criteria: Invitae Variant Classification Sherloc (09022015). Collection method: clinical testing. Allele origin: germline. Not counted in ClinVar's aggregate classification.
Comment: This sequence change affects an acceptor splice site in intron 7 of the RUNX1 gene. It is expected to disrupt RNA splicing. Variants that disrupt the donor or acceptor splice site typically lead to a loss of protein function (PMID: 16199547), and loss-of-function variants in RUNX1 are known to be pathogenic (PMID: 18723428, 24100448). This variant is not present in population databases (gnomAD no frequency). This variant has not been reported in the literature in individuals affected with RUNX1-related conditions. Algorithms developed to predict the effect of sequence changes on RNA splicing suggest that this variant may disrupt the consensus splice site. In summary, the currently available evidence indicates that the variant is pathogenic, but additional data are needed to prove that conclusively. Therefore, this variant has been classified as Likely Pathogenic.

Literature cited by the submitters: PubMed 16199547 (cited by Labcorp Genetics (formerly Invitae), Labcorp); PubMed 18723428 (cited by Labcorp Genetics (formerly Invitae), Labcorp); PubMed 24100448 (cited by Labcorp Genetics (formerly Invitae), Labcorp).

NM_001754.5(RUNX1):c.806-1G>T

Gene: RUNX1 (RUNX family transcription factor 1; minus strand). Cytogenetic location: 21q22.12.
Variant type: single nucleotide variant.
Coding change: c.806-1G>T on transcript NM_001754.5 (MANE Select); the canonical splice acceptor site of the intron before coding-DNA position 806, G replaced by T.
Molecular consequence: splice acceptor variant.
Genome position (GRCh38, 1-based): chr21:34,799,463, C>A on the plus strand (G>T on the coding strand, the complement: RUNX1 is on the minus strand). VCF-style: chr21-34799463-C-A. GRCh37 (hg19) VCF-style: chr21-36171760-C-A.
Other names: c.725-1G>T (NM_001001890.3).
Identifiers: ClinVar variation 3618297 (VCV003618297.3).